The following is an entry in ClinVar:

ClinVar aggregate classification (germline): Likely benign (0 of 4 stars; one submission).

Conditions:
COL25A1-related disorder. Also called: COL25A1-related condition.

Allele frequency attached by ClinVar (database versions not stated): gnomAD exomes 0.00010; ESP Exome Variant Server 0.00017; ExAC 0.00002; gnomAD 0.00004; TOPMed 0.00005.
gnomAD v4.1: 146 of 1,613,556 alleles (0.009%); highest among the groups gnomAD compares: Non-Finnish European, 0.011%; no homozygotes.

Submission:

PreventionGenetics, part of Exact Sciences
Classification: Likely benign for COL25A1-related condition. Last evaluated: 2019-09-05. Review status: no assertion criteria provided. Collection method: clinical testing. Allele origin: germline.
Comment: This variant is classified as likely benign based on ACMG/AMP sequence variant interpretation guidelines (Richards et al. 2015 PMID: 25741868, with internal and published modifications).

NM_198721.4(COL25A1):c.867C>T (p.Asp289=)

Gene: COL25A1 (collagen type XXV alpha 1 chain; minus strand). Cytogenetic location: 4q25.
Variant type: single nucleotide variant.
Coding change: c.867C>T on transcript NM_198721.4 (MANE Select); coding-DNA position 867, C replaced by T.
Protein change: p.Asp289=; no amino-acid change (aspartic acid 289 retained).
Molecular consequence: synonymous variant. On other transcripts: non-coding transcript variant (1).
Genome position (GRCh38, 1-based): chr4:108,896,706, G>A on the plus strand (C>T on the coding strand, the complement: COL25A1 is on the minus strand). VCF-style: chr4-108896706-G-A. GRCh37 (hg19) VCF-style: chr4-109817862-G-A.
Other names: c.855C>T, p.Asp285= (NM_001256074.3); c.867C>T, p.Asp289= (NM_032518.4).
Identifiers: ClinVar variation 3053282 (VCV003053282.2), dbSNP rs375017466, ClinGen allele CA3039559.